The following is an entry in ClinVar:

NM_001142800.2(EYS):c.8543del (p.Ile2848fs)

Genes: EYS (EGF-like photoreceptor maintenance factor; minus strand), PHF3 (PHD finger protein 3; plus strand). Cytogenetic location: 6q12.
Variant type: Deletion.
Coding change: c.8543del on transcript NM_001142800.2 (MANE Select); coding-DNA position 8543, one base deleted (T; older notation c.8543delT).
Protein change: p.Ile2848fs; shifts the reading frame from isoleucine 2848.
Molecular consequence: frameshift variant. On other transcripts: 3 prime UTR variant (5).
Genome position (GRCh38, 1-based): chr6:63,721,488, A deleted on the plus strand (T on the coding strand, the reverse complement: EYS is on the minus strand). VCF-style (leftmost placement, unchanged base first): chr6-63721487-GA-G. GRCh37 (hg19) VCF-style: chr6-64431383-GA-G.
Other names: c.*7780del (NM_001290259.2, NM_001370348.2, NM_001370349.2 and 2 more transcripts); c.8606del, p.Ile2869fs (NM_001292009.2); short protein forms I2848fs, I2869fs.
Identifiers: ClinVar variation 1076446 (VCV001076446.11), dbSNP rs2149625125, ClinGen allele CA2499218460.

ClinVar aggregate classification (germline): Pathogenic/Likely pathogenic. Review status: criteria provided, multiple submitters, no conflicts (2 of 4 stars). 3 submissions from 3 submitters: Pathogenic (2); Likely pathogenic (1). Last evaluated 2026-05-18.

Conditions:
Retinitis pigmentosa 25 (RP25). Identifiers: Orphanet 791, MedGen C1864446, MONDO:0011272, OMIM 602772.

Submissions (3):

Myriad Genetics, Inc.
Classification: Pathogenic for Retinitis pigmentosa 25. Last evaluated: 2026-05-18. Review status: criteria provided, single submitter. Criteria: Myriad Autosomal Dominant, Autosomal Recessive and X-Linked Classification Criteria (2023). Collection method: clinical testing. Allele origin: unknown.
Comment: NM_001142800.1(EYS):c.8543delT(I2848Tfs*6) is a frameshift variant classified as pathogenic in the context of retinitis pigmentosa, EYS-related. I2848Tfs*6 has not been observed in cases with relevant disease. Relevant functional assessments of this variant are not available in the literature. I2848Tfs*6 has not been observed in referenced population frequency databases. In summary, NM_001142800.1(EYS):c.8543delT(I2848Tfs*6) is a frameshift variant in a gene where loss of function is a known mechanism of disease and is predicted to disrupt protein function. Please note: this variant was assessed in the context of healthy population screening.

Baylor Genetics
Classification: Likely pathogenic for Retinitis pigmentosa 25. Last evaluated: 2023-08-04. Review status: criteria provided, single submitter. Criteria: ACMG Guidelines, 2015. Collection method: clinical testing. Allele origin: unknown.

Labcorp Genetics (formerly Invitae), Labcorp
Classification: Pathogenic. Last evaluated: 2021-02-06. Review status: criteria provided, single submitter. Criteria: Invitae Variant Classification Sherloc (09022015). Collection method: clinical testing. Allele origin: germline.
Comment: This variant disrupts the C-terminus of the EYS protein. Other variant(s) that disrupt this region (p.Tyr3135*) have been determined to be pathogenic (PMID: 18976725, 31074760, 29159838, 30337596). This suggests that variants that disrupt this region of the protein are likely to be causative of disease. For these reasons, this variant has been classified as Pathogenic. This variant has not been reported in the literature in individuals with EYS-related conditions. This sequence change creates a premature translational stop signal (p.Ile2848Thrfs*6) in the EYS gene. While this is not anticipated to result in nonsense mediated decay, it is expected to disrupt the last 297 amino acid(s) of the EYS protein. This variant is not present in population databases (ExAC no frequency).

Literature cited by the submitters: PubMed 18976725 (cited by Labcorp Genetics (formerly Invitae), Labcorp); PubMed 31074760 (cited by Labcorp Genetics (formerly Invitae), Labcorp); PubMed 29159838 (cited by Labcorp Genetics (formerly Invitae), Labcorp); PubMed 30337596 (cited by Labcorp Genetics (formerly Invitae), Labcorp).